The following is an entry in ClinVar:

NM_001009944.3(PKD1):c.3107C>T (p.Thr1036Met)

Gene: PKD1 (polycystin 1, transient receptor potential channel interacting; minus strand). Cytogenetic location: 16p13.3.
Variant type: single nucleotide variant.
Coding change: c.3107C>T on transcript NM_001009944.3 (MANE Select); coding-DNA position 3107, C replaced by T.
Protein change: p.Thr1036Met; replaces threonine 1036 with methionine.
Molecular consequence: missense variant.
Genome position (GRCh38, 1-based): chr16:2,112,842, G>A on the plus strand (C>T on the coding strand, the complement: PKD1 is on the minus strand). VCF-style: chr16-2112842-G-A. GRCh37 (hg19) VCF-style: chr16-2162843-G-A.
Other names: p.Thr1036Met; c.3107C>T, p.Thr1036Met (NM_000296.4); short protein forms T1036M.
Identifiers: ClinVar variation 2683340 (VCV002683340.2), dbSNP rs532455378, ClinGen allele CA7832950.

ClinVar aggregate classification (germline): Conflicting classifications of pathogenicity. Review status: criteria provided, conflicting classifications (1 of 4 stars). 2 submissions from 2 submitters: Uncertain significance (1); Likely benign (1). Last evaluated 2023-11-01.

Allele frequency attached by ClinVar (database versions not stated): ExAC 0.00001; gnomAD exomes 0.00001; TOPMed 0.00001; gnomAD 0.00002; 1000 Genomes Project 30x 0.00016; 1000 Genomes Project 0.00020.
gnomAD v4.1: 19 of 1,604,434 alleles (0.0012%); highest among the groups gnomAD compares: Admixed American, 0.0083%; no homozygotes.

Submissions (2):

Blueprint Genetics
Classification: Likely benign. Last evaluated: 2023-11-01. Review status: criteria provided, single submitter. Criteria: ACMG Guidelines, 2015. Collection method: clinical testing. Allele origin: germline.

Mayo Clinic Laboratories, Mayo Clinic
Classification: Uncertain significance. Last evaluated: 2023-04-05. Review status: criteria provided, single submitter. Criteria: ACMG Guidelines, 2015. Collection method: clinical testing. Allele origin: germline. Observed: 2 variant alleles.
Comment: BP5